The following is an entry in ClinVar:

ClinVar aggregate classification (germline): Conflicting classifications of pathogenicity. Review status: criteria provided, conflicting classifications (1 of 4 stars). 3 submissions from 3 submitters: Uncertain significance (1); Likely benign (2). Last evaluated 2025-07-30.

Conditions:
Pyruvate carboxylase deficiency. Also called: Pyruvate Carboxylase Deficiency Disease; ATAXIA WITH LACTIC ACIDOSIS II; LEIGH NECROTIZING ENCEPHALOPATHY DUE TO PYRUVATE CARBOXYLASE DEFICIENCY; LEIGH SYNDROME DUE TO PYRUVATE CARBOXYLASE DEFICIENCY; PC DEFICIENCY. Identifiers: Orphanet 3008, MedGen C0034341, MONDO:0009949, OMIM 266150.

Allele frequency attached by ClinVar (database versions not stated): TOPMed 0.00006; ESP Exome Variant Server 0.00008.
gnomAD v4.1: 110 of 1,613,684 alleles (0.0068%); highest among the groups gnomAD compares: Admixed American, 0.023%; no homozygotes.

Submissions (3):

Labcorp Genetics (formerly Invitae), Labcorp
Classification: Likely benign for Pyruvate carboxylase deficiency. Last evaluated: 2025-07-30. Review status: criteria provided, single submitter. Criteria: Invitae Variant Classification Sherloc (09022015). Collection method: clinical testing. Allele origin: germline.

CeGaT Center for Human Genetics Tuebingen
Classification: Likely benign. Last evaluated: 2023-11-01. Review status: criteria provided, single submitter. Criteria: CeGaT Center For Human Genetics Tuebingen Variant Classification Criteria Version 2. Collection method: clinical testing. Allele origin: germline. Affected: yes. Observed: 1 variant allele.
Comment: PC: BP4, BP7

Illumina Laboratory Services, Illumina
Classification: Uncertain significance for Pyruvate carboxylase deficiency. Last evaluated: 2018-01-13. Review status: criteria provided, single submitter. Criteria: ICSL Variant Classification Criteria 13 December 2019. Collection method: clinical testing. Allele origin: germline.

NM_001040716.2(PC):c.3531C>T (p.Ile1177=)

Gene: PC (pyruvate carboxylase; minus strand). Cytogenetic location: 11q13.2.
Variant type: single nucleotide variant.
Coding change: c.3531C>T on transcript NM_001040716.2 (MANE Select); coding-DNA position 3531, C replaced by T.
Protein change: p.Ile1177=; no amino-acid change (isoleucine 1177 retained).
Molecular consequence: synonymous variant.
Genome position (GRCh38, 1-based): chr11:66,848,905, G>A on the plus strand (C>T on the coding strand, the complement: PC is on the minus strand). VCF-style: chr11-66848905-G-A. GRCh37 (hg19) VCF-style: chr11-66616376-G-A.
Other names: c.3531C>T, p.Ile1177= (NM_000920.4, NM_022172.3).
Identifiers: ClinVar variation 744899 (VCV000744899.38), dbSNP rs144982348, ClinGen allele CA6130766.